The following is an entry in ClinVar:

NM_006086.4(TUBB3):c.802C>T (p.Pro268Ser)

Gene: TUBB3 (tubulin beta 3 class III; plus strand). Cytogenetic location: 16q24.3.
Variant type: single nucleotide variant.
Coding change: c.802C>T on transcript NM_006086.4 (MANE Select); coding-DNA position 802, C replaced by T.
Protein change: p.Pro268Ser; replaces proline 268 with serine.
Molecular consequence: missense variant.
Genome position (GRCh38, 1-based): chr16:89,935,253, C>T. VCF-style: chr16-89935253-C-T. GRCh37 (hg19) VCF-style: chr16-90001661-C-T.
Other names: c.586C>T, p.Pro196Ser (NM_001197181.2); short protein forms P268S, P196S.
Identifiers: ClinVar variation 2751414 (VCV002751414.3), dbSNP rs2544627724, ClinGen allele CA397475393.

ClinVar aggregate classification (germline): Uncertain significance (1 of 4 stars; one submission).

Submission:

Labcorp Genetics (formerly Invitae), Labcorp
Classification: Uncertain significance. Last evaluated: 2023-08-19. Review status: criteria provided, single submitter. Criteria: Invitae Variant Classification Sherloc (09022015). Collection method: clinical testing. Allele origin: germline.
Comment: Advanced modeling of protein sequence and biophysical properties (such as structural, functional, and spatial information, amino acid conservation, physicochemical variation, residue mobility, and thermodynamic stability) performed at Invitae indicates that this missense variant is not expected to disrupt TUBB3 protein function. In summary, the available evidence is currently insufficient to determine the role of this variant in disease. Therefore, it has been classified as a Variant of Uncertain Significance. This variant has not been reported in the literature in individuals affected with TUBB3-related conditions. This variant is not present in population databases (gnomAD no frequency). This sequence change replaces proline, which is neutral and non-polar, with serine, which is neutral and polar, at codon 268 of the TUBB3 protein (p.Pro268Ser).